The following is an entry in ClinVar:

NM_004863.4(SPTLC2):c.1145G>T (p.Gly382Val)

Gene: SPTLC2 (serine palmitoyltransferase long chain base subunit 2; minus strand). Cytogenetic location: 14q24.3.
Variant type: single nucleotide variant.
Coding change: c.1145G>T on transcript NM_004863.4 (MANE Select); coding-DNA position 1145, G replaced by T.
Protein change: p.Gly382Val; replaces glycine 382 with valine.
Molecular consequence: missense variant.
Genome position (GRCh38, 1-based): chr14:77,555,331, C>A on the plus strand (G>T on the coding strand, the complement: SPTLC2 is on the minus strand). VCF-style: chr14-77555331-C-A. GRCh37 (hg19) VCF-style: chr14-78021674-C-A.
Other names: short protein forms G382V.
Identifiers: ClinVar variation 4797 (VCV000004797.15), dbSNP rs267607089, ClinGen allele CA117088.

ClinVar aggregate classification (germline): Pathogenic/Likely pathogenic. Review status: criteria provided, multiple submitters, no conflicts (2 of 4 stars). 3 submissions from 3 submitters: Pathogenic (1); Likely pathogenic (1). 1 of the submissions does not count toward it. Last evaluated 2020-10-23.

Conditions:
Neuropathy, hereditary sensory and autonomic, type 1C. Also called: HSAN IC; HSN IC. Identifiers: Orphanet 36386, MedGen C3150896, MONDO:0013337, OMIM 613640.

Submissions (3):

Institute of Medical Genetics and Applied Genomics, University Hospital Tübingen
Classification: Pathogenic. Last evaluated: 2020-10-23. Review status: criteria provided, single submitter. Criteria: ACMG Guidelines, 2015. Collection method: clinical testing. Allele origin: germline. Inheritance: Unknown mechanism. Affected: yes.

Labcorp Genetics (formerly Invitae), Labcorp
Classification: Likely pathogenic for Neuropathy, hereditary sensory and autonomic, type 1C. Last evaluated: 2019-11-26. Review status: criteria provided, single submitter. Criteria: Invitae Variant Classification Sherloc (09022015). Collection method: clinical testing. Allele origin: germline.
Comment: This variant is not present in population databases (ExAC no frequency). This sequence change replaces glycine with valine at codon 382 of the SPTLC2 protein (p.Gly382Val). The glycine residue is moderately conserved and there is a moderate physicochemical difference between glycine and valine. This variant has been reported in individuals affected with hereditary sensory and autonomic neuropathy (PMID: 20920666). ClinVar contains an entry for this variant (Variation ID: 4797). Experimental studies have shown that this missense change alters protein function in-vitro (PMID: 20920666, 24175284, 26681808). In summary, the currently available evidence indicates that the variant is pathogenic, but additional data are needed to prove that conclusively. Therefore, this variant has been classified as Likely Pathogenic.

OMIM
Classification: Pathogenic for NEUROPATHY, HEREDITARY SENSORY, TYPE IC. Last evaluated: 2010-10-08. Review status: no assertion criteria provided. Collection method: literature only. Allele origin: germline. Not counted in ClinVar's aggregate classification.

Literature cited by the submitters: PubMed 20920666 (cited by Labcorp Genetics (formerly Invitae), Labcorp and OMIM); PubMed 24175284 (cited by Labcorp Genetics (formerly Invitae), Labcorp); PubMed 26681808 (cited by Labcorp Genetics (formerly Invitae), Labcorp).